The following is an entry in ClinVar:

ClinVar aggregate classification (germline): Uncertain significance (1 of 4 stars; one submission).

gnomAD v4.1: 1 of 1,613,732 alleles (0.000062%); highest among the groups gnomAD compares: Non-Finnish European, 0.000085%; no homozygotes.

Submission:

Ambry Genetics
Classification: Uncertain significance. Last evaluated: 2024-12-25. Review status: criteria provided, single submitter. Criteria: Ambry Variant Classification Scheme 2023. Collection method: clinical testing. Allele origin: germline.
Comment: The p.Q801K variant (also known as c.2401C>A), located in coding exon 23 of the KIF1B gene, results from a C to A substitution at nucleotide position 2401. The glutamine at codon 801 is replaced by lysine, an amino acid with similar properties. This amino acid position is conserved. In addition, the in silico prediction for this alteration is inconclusive. Based on the available evidence, the clinical significance of this variant remains unclear.

NM_001365951.3(KIF1B):c.2539C>A (p.Gln847Lys)

Gene: KIF1B (kinesin family member 1B; plus strand). Cytogenetic location: 1p36.22.
Variant type: single nucleotide variant.
Coding change: c.2539C>A on transcript NM_001365951.3 (MANE Select); coding-DNA position 2539, C replaced by A.
Protein change: p.Gln847Lys; replaces glutamine 847 with lysine.
Molecular consequence: missense variant.
Genome position (GRCh38, 1-based): chr1:10,324,759, C>A. VCF-style: chr1-10324759-C-A. GRCh37 (hg19) VCF-style: chr1-10384817-C-A.
Other names: c.2539C>A, p.Gln847Lys (NM_001365952.1); c.2401C>A, p.Gln801Lys (NM_015074.3); short protein forms Q801K, Q847K.
Identifiers: ClinVar variation 3864053 (VCV003864053.1).